The following is an entry in ClinVar:

ClinVar aggregate classification (germline): Uncertain significance (1 of 4 stars; one submission).

gnomAD v4.1: 1 of 1,613,170 alleles (0.000062%); highest among the groups gnomAD compares: Admixed American, 0.0017%; no homozygotes.

Submission:

Labcorp Genetics (formerly Invitae), Labcorp
Classification: Uncertain significance. Last evaluated: 2022-07-13. Review status: criteria provided, single submitter. Criteria: Invitae Variant Classification Sherloc (09022015). Collection method: clinical testing. Allele origin: germline.
Comment: In summary, the available evidence is currently insufficient to determine the role of this variant in disease. Therefore, it has been classified as a Variant of Uncertain Significance. Algorithms developed to predict the effect of missense changes on protein structure and function (SIFT, PolyPhen-2, Align-GVGD) all suggest that this variant is likely to be tolerated. This variant has not been reported in the literature in individuals affected with USH2A-related conditions. This variant is present in population databases (no rsID available, gnomAD 0.003%). This sequence change replaces leucine, which is neutral and non-polar, with proline, which is neutral and non-polar, at codon 1006 of the USH2A protein (p.Leu1006Pro).

NM_206933.4(USH2A):c.3017T>C (p.Leu1006Pro)

Genes: USH2A (usherin; minus strand), USH2A-AS1 (USH2A antisense RNA 1; plus strand). Cytogenetic location: 1q41.
Variant type: single nucleotide variant.
Coding change: c.3017T>C on transcript NM_206933.4 (MANE Select); coding-DNA position 3017, T replaced by C.
Protein change: p.Leu1006Pro; replaces leucine 1006 with proline.
Molecular consequence: missense variant.
Genome position (GRCh38, 1-based): chr1:216,217,527, A>G on the plus strand (T>C on the coding strand, the complement: USH2A is on the minus strand). VCF-style: chr1-216217527-A-G. GRCh37 (hg19) VCF-style: chr1-216390869-A-G.
Other names: c.3017T>C, p.Leu1006Pro (NM_007123.6); short protein forms L1006P.
Identifiers: ClinVar variation 1937344 (VCV001937344.5), dbSNP rs1364420442, ClinGen allele CA344862974.